The following is an entry in ClinVar:

ClinVar aggregate classification (germline): Uncertain significance. Review status: criteria provided, multiple submitters, no conflicts (2 of 4 stars). 2 submissions from 2 submitters: Uncertain significance (2). Last evaluated 2023-12-09.

Conditions:
Inborn genetic diseases. Identifiers: MedGen C0950123, MeSH D030342.

gnomAD v4.1: 11 of 1,614,084 alleles (0.00068%); highest among the groups gnomAD compares: Admixed American, 0.0067%; no homozygotes.

Submissions (2):

Ambry Genetics
Classification: Uncertain significance for Inborn genetic diseases. Last evaluated: 2023-12-09. Review status: criteria provided, single submitter. Criteria: Ambry Variant Classification Scheme 2023. Collection method: clinical testing. Allele origin: germline.

Labcorp Genetics (formerly Invitae), Labcorp
Classification: Uncertain significance. Last evaluated: 2022-01-21. Review status: criteria provided, single submitter. Criteria: Invitae Variant Classification Sherloc (09022015). Collection method: clinical testing. Allele origin: germline.
Comment: In summary, the available evidence is currently insufficient to determine the role of this variant in disease. Therefore, it has been classified as a Variant of Uncertain Significance. Algorithms developed to predict the effect of missense changes on protein structure and function are either unavailable or do not agree on the potential impact of this missense change (SIFT: "Not Available"; PolyPhen-2: "Benign"; Align-GVGD: "Not Available"). This variant has not been reported in the literature in individuals affected with DDX59-related conditions. This variant is present in population databases (no rsID available, gnomAD 0.003%). This sequence change replaces glutamic acid, which is acidic and polar, with lysine, which is basic and polar, at codon 30 of the DDX59 protein (p.Glu30Lys).

NM_001031725.6(DDX59):c.88G>A (p.Glu30Lys)

Gene: DDX59 (DEAD-box helicase 59; minus strand). Cytogenetic location: 1q32.1.
Variant type: single nucleotide variant.
Coding change: c.88G>A on transcript NM_001031725.6 (MANE Select); coding-DNA position 88, G replaced by A.
Protein change: p.Glu30Lys; replaces glutamic acid 30 with lysine.
Molecular consequence: missense variant.
Genome position (GRCh38, 1-based): chr1:200,666,653, C>T on the plus strand (G>A on the coding strand, the complement: DDX59 is on the minus strand). VCF-style: chr1-200666653-C-T. GRCh37 (hg19) VCF-style: chr1-200635781-C-T.
Other names: c.88G>A (NM_001031725.4); c.88G>A, p.Glu30Lys (NM_001320181.2, NM_001320182.1, NM_001349799.3 and 5 more transcripts); short protein forms E30K.
Identifiers: ClinVar variation 2166437 (VCV002166437.5), dbSNP rs763032201, ClinGen allele CA35968388.